The following is an entry in ClinVar:

ClinVar aggregate classification (germline): Likely benign. Review status: criteria provided, multiple submitters, no conflicts (2 of 4 stars). 3 submissions from 3 submitters: Likely benign (2). 1 of the submissions does not count toward it. Last evaluated 2024-12-26.

Conditions:
Inborn genetic diseases. Identifiers: MedGen C0950123, MeSH D030342.
ANKRD26-related disorder. Also called: ANKRD26-related condition.

Allele frequency attached by ClinVar (database versions not stated): gnomAD exomes 0.00002; ExAC 0.00003; gnomAD 0.00014; TOPMed 0.00014; 1000 Genomes Project 30x 0.00016; 1000 Genomes Project 0.00020.
gnomAD v4.1: 34 of 1,613,228 alleles (0.0021%); highest among the groups gnomAD compares: African/African-American, 0.041%; no homozygotes.

Submissions (3):

Labcorp Genetics (formerly Invitae), Labcorp
Classification: Likely benign. Last evaluated: 2024-12-26. Review status: criteria provided, single submitter. Criteria: Invitae Variant Classification Sherloc (09022015). Collection method: clinical testing. Allele origin: germline.

Ambry Genetics
Classification: Likely benign for Inborn genetic diseases. Last evaluated: 2024-11-23. Review status: criteria provided, single submitter. Criteria: Ambry Variant Classification Scheme 2023. Collection method: clinical testing. Allele origin: germline.

PreventionGenetics, part of Exact Sciences
Classification: Likely benign for ANKRD26-related condition. Last evaluated: 2024-04-10. Review status: no assertion criteria provided. Collection method: clinical testing. Allele origin: germline. Not counted in ClinVar's aggregate classification.
Comment: This variant is classified as likely benign based on ACMG/AMP sequence variant interpretation guidelines (Richards et al. 2015 PMID: 25741868, with internal and published modifications).

NM_014915.3(ANKRD26):c.1086A>G (p.Pro362=)

Gene: ANKRD26 (ankyrin repeat domain 26; minus strand). Cytogenetic location: 10p12.1.
Variant type: single nucleotide variant.
Coding change: c.1086A>G on transcript NM_014915.3 (MANE Select); coding-DNA position 1086, A replaced by G.
Protein change: p.Pro362=; no amino-acid change (proline 362 retained).
Molecular consequence: synonymous variant.
Genome position (GRCh38, 1-based): chr10:27,067,278, T>C on the plus strand (A>G on the coding strand, the complement: ANKRD26 is on the minus strand). VCF-style: chr10-27067278-T-C. GRCh37 (hg19) VCF-style: chr10-27356207-T-C.
Other names: c.1086A>G, p.Pro362= (NM_001256053.2).
Identifiers: ClinVar variation 2171552 (VCV002171552.6), dbSNP rs71483825, ClinGen allele CA5448687.
Genomic context (GRCh38, chr10:27,067,278, plus strand): 5'-TAGTGGAGCACTTTCAATAATATCAATACCATTTTCTTTTTTTGCAATGCCTGGCTTTGT[T>C]GGTTCTTCCTATTAAAAACAAAAACAAACAAACAAAAAACTTCAGAAAACACTGTATTTA-3'
Protein context (NP_055730.2, residues 352-372): LANPGLMKEE[Pro362=]TKPGIAKKEN